The following is an entry in ClinVar:

ClinVar aggregate classification (germline): Likely benign. Review status: criteria provided, multiple submitters, no conflicts (2 of 4 stars). 2 submissions from 2 submitters: Likely benign (2). Last evaluated 2026-04-23.

Conditions:
KRIT1-related disorder. Also called: KRIT1-related condition; KRIT1-related disorders.
Cerebral cavernous malformation (CCM). Also called: Cerebral cavernous hemangioma (type); Cavernous Hemangioma of Brain; CAVERNOUS ANGIOMA, FAMILIAL; CAVERNOUS ANGIOMATOUS MALFORMATIONS; CEREBRAL CAPILLARY MALFORMATIONS; Cerebral cavernous malformations. Identifiers: Orphanet 221061, MedGen C2919945, MONDO:0000820, OMIM 116860, HP:0033522.

Submissions (2):

PreventionGenetics, part of Exact Sciences
Classification: Likely benign for KRIT1-related condition. Last evaluated: 2026-04-23. Review status: criteria provided, single submitter. Criteria: ACMG Guidelines, 2015. Collection method: clinical testing. Allele origin: germline.
Comment: This variant is classified as likely benign based on ACMG/AMP sequence variant interpretation guidelines (Richards et al. 2015 PMID: 25741868, with internal and published modifications).

Labcorp Genetics (formerly Invitae), Labcorp
Classification: Likely benign for Cerebral cavernous malformation. Last evaluated: 2025-12-23. Review status: criteria provided, single submitter. Criteria: Invitae Variant Classification Sherloc (09022015). Collection method: clinical testing. Allele origin: germline.

NM_194454.3(KRIT1):c.2026-20del

Gene: KRIT1 (KRIT1 ankyrin repeat containing; minus strand). Cytogenetic location: 7q21.2.
Variant type: Deletion.
Coding change: c.2026-20del on transcript NM_194454.3 (MANE Select); 20 bases into the intron before coding-DNA position 2026, one base deleted (T; older notation c.2026-20delT).
Molecular consequence: intron variant.
Genome position (GRCh38, 1-based): chr7:92,201,443, A deleted on the plus strand (T on the coding strand, the reverse complement: KRIT1 is on the minus strand); the first of 2 consecutive A bases (chr7:92,201,443-92,201,444); deleting either gives the same sequence. VCF-style (leftmost placement, unchanged base first): chr7-92201442-CA-C. GRCh37 (hg19) VCF-style: chr7-91830756-CA-C.
Other names: c.2026-20del (NM_001350672.1, NM_001350676.1, NM_001350673.1 and 26 more transcripts); c.1882-20del (NM_001350669.1, NM_001013406.2, NM_001350670.1); c.1312-20del (NM_001350671.1); c.2026-20delT (NM_194456.1).
Identifiers: ClinVar variation 1537345 (VCV001537345.9), dbSNP rs763882887, ClinGen allele CA4338968.